The following is an entry in ClinVar:

NM_001365902.3(NFIX):c.1509A>G (p.Ter503Trp)

Gene: NFIX (nuclear factor I X; plus strand). Cytogenetic location: 19p13.13.
Variant type: single nucleotide variant.
Coding change: c.1509A>G on transcript NM_001365902.3 (MANE Select); coding-DNA position 1509, A replaced by G.
Protein change: p.Ter503Trp.
Molecular consequence: stop lost. On other transcripts: 3 prime UTR variant (5).
Genome position (GRCh38, 1-based): chr19:13,094,649, A>G. VCF-style: chr19-13094649-A-G. GRCh37 (hg19) VCF-style: chr19-13205463-A-G.
Other names: c.1533A>G, p.Ter511Trp (NM_001271043.2); c.*35A>G (NM_001271044.3, NM_001365982.2, NM_001365983.2 and 2 more transcripts); c.1506A>G, p.Ter502Trp (NM_001365984.2); c.1485A>G, p.Ter495Trp (NM_001378404.1); c.1557A>G, p.Ter519Trp (NM_001378405.1).
Identifiers: ClinVar variation 3362226 (VCV003362226.2).

ClinVar aggregate classification (germline): Likely pathogenic (1 of 4 stars; one submission).

Submission:

GeneDx
Classification: Likely pathogenic. Last evaluated: 2025-10-08. Review status: criteria provided, single submitter. Criteria: GeneDx Variant Classification Process June 2021. Collection method: clinical testing. Allele origin: germline.
Comment: Stop codon loss and change to a tryptophan codon, leading to protein extension and the addition of 1 amino acid at the C-terminus; Not observed at significant frequency in large population cohorts (gnomAD); Has not been previously published as pathogenic or benign to our knowledge